The following is an entry in ClinVar:

ClinVar aggregate classification (germline): Uncertain significance. Review status: criteria provided, multiple submitters, no conflicts (2 of 4 stars). 2 submissions from 2 submitters: Uncertain significance (2). Last evaluated 2022-06-13.

Allele frequency attached by ClinVar (database versions not stated): gnomAD exomes below 0.00001.
gnomAD v4.1: 4 of 1,613,936 alleles (0.00025%); highest among the groups gnomAD compares: Admixed American, 0.0017%; no homozygotes.

Submissions (2):

Blueprint Genetics
Classification: Uncertain significance. Last evaluated: 2022-06-13. Review status: criteria provided, single submitter. Criteria: ACMG Guidelines, 2015. Collection method: clinical testing. Allele origin: germline.

Labcorp Genetics (formerly Invitae), Labcorp
Classification: Uncertain significance. Last evaluated: 2022-03-30. Review status: criteria provided, single submitter. Criteria: Invitae Variant Classification Sherloc (09022015). Collection method: clinical testing. Allele origin: germline.
Comment: In summary, the available evidence is currently insufficient to determine the role of this variant in disease. Therefore, it has been classified as a Variant of Uncertain Significance. This sequence change replaces serine, which is neutral and polar, with leucine, which is neutral and non-polar, at codon 230 of the C1S protein (p.Ser230Leu). This variant is not present in population databases (gnomAD no frequency). This variant has not been reported in the literature in individuals affected with C1S-related conditions. Algorithms developed to predict the effect of missense changes on protein structure and function are either unavailable or do not agree on the potential impact of this missense change (SIFT: "Deleterious"; PolyPhen-2: "Benign"; Align-GVGD: "Class C15").

NM_001734.5(C1S):c.689C>T (p.Ser230Leu)

Gene: C1S (complement C1s; plus strand). Cytogenetic location: 12p13.31.
Variant type: single nucleotide variant.
Coding change: c.689C>T on transcript NM_001734.5 (MANE Select); coding-DNA position 689, C replaced by T.
Protein change: p.Ser230Leu; replaces serine 230 with leucine.
Molecular consequence: missense variant.
Genome position (GRCh38, 1-based): chr12:7,065,271, C>T. VCF-style: chr12-7065271-C-T. GRCh37 (hg19) VCF-style: chr12-7172575-C-T.
Other names: c.188C>T, p.Ser63Leu (NM_001346850.2); c.689C>T, p.Ser230Leu (NM_201442.4); short protein forms S230L, S63L.
Identifiers: ClinVar variation 2119694 (VCV002119694.5), dbSNP rs766474846, ClinGen allele CA232452223.
Genomic context (GRCh38, chr12:7,065,271, plus strand): 5'-AAGGGTTCCAAGTGGTGGTGACCTTGCGGAGAGAAGATTTTGATGTGGAAGCAGCTGACT[C>T]AGCGGGAAACTGCCTTGACAGTTTAGTTGTGCGTGATGGTTGATTAATACCCCACCCTTA-3'
Protein context (NP_001725.1, residues 220-240): REDFDVEAAD[Ser230Leu]AGNCLDSLVF